The following is an entry in ClinVar:

ClinVar aggregate classification (germline): Uncertain significance (1 of 4 stars; one submission).

Submission:

GeneDx
Classification: Uncertain significance. Last evaluated: 2015-04-07. Review status: criteria provided, single submitter. Criteria: GeneDx Variant Classification (06012015). Collection method: clinical testing. Allele origin: germline. Affected: yes.
Comment: The c.786_800del15 variant has not been published as a mutation, nor has it been reported as a benign polymorphism to our knowledge. The c.786_800del15 variant was not observed in approximately 6500 individuals of European and African American ancestry in the NHLBI Exome Sequencing Project, indicating it is not a common benign variant in these populations. The c.786_800del15 variant results in an in-frame deletion of five amino acids beginning at codon 262 in the SMAD3 gene, denoted p.Asp262_Ser266del. Missense mutations affecting nearby residues (T261I, P263L) have been reported in association with aneurysms and osteoarthritis; however, no in-frame deletions or insertions in the SMAD3 gene have been reported. Therefore, based on the currently available information, it is unclear whether this variant is a pathogenic mutation or a rare benign variant.

NM_005902.4(SMAD3):c.786_800del (p.Asp262_Ser266del)

Gene: SMAD3 (SMAD family member 3; plus strand). Cytogenetic location: 15q22.33.
Variant type: Deletion.
Coding change: c.786_800del on transcript NM_005902.4 (MANE Select); coding-DNA positions 786 to 800, 15 bases deleted (CCCCTCCAATTCGGA).
Protein change: p.Asp262_Ser266del.
Molecular consequence: inframe deletion.
Genome position (GRCh38, 1-based): chr15:67,181,368-67,181,382, CCCCTCCAATTCGGA deleted; deleting any 15 consecutive bases within chr15:67,181,366-67,181,382 gives the same sequence; the c. name uses the placement nearest the transcript's 3' end. VCF-style (leftmost placement, unchanged base first): chr15-67181365-CGACCCCTCCAATTCG-C. GRCh37 (hg19) VCF-style: chr15-67473703-CGACCCCTCCAATTCG-C.
Other names: c.471_485del, p.Asp157_Ser161del (NM_001145102.2); c.654_668del, p.Asp218_Ser222del (NM_001145103.2); c.201_215del, p.Asp67_Ser71del (NM_001145104.2).
Identifiers: ClinVar variation 213786 (VCV000213786.2), dbSNP rs863223753, ClinGen allele CA320270.
Genomic context (GRCh38, chr15:67,181,365, plus strand): 5'-CCAGCGCGTCGGGGAGACATTCCACGCCTCGCAGCCATCCATGACTGTGGATGGCTTCAC[CGACCCCTCCAATTCG>C]GAGCGCTTCTGCCTAGGGCTGCTCTCCAATGTCAACAGGAATGCAGCAGTGGAGCTGACA-3'